The following is an entry in ClinVar:

ClinVar aggregate classification (germline): Uncertain significance (1 of 4 stars; one submission).

Conditions:
Retinoblastoma (RB1). Also called: RETINOBLASTOMA, SOMATIC. Identifiers: Orphanet 790, MedGen C0035335, MeSH D012175, MONDO:0008380, OMIM 180200, HP:0009919. Disease mechanism: loss of function. Inheritance: Both sporadic and heritable forms are tested..

Submission:

Labcorp Genetics (formerly Invitae), Labcorp
Classification: Uncertain significance for Retinoblastoma. Last evaluated: 2024-08-04. Review status: criteria provided, single submitter. Criteria: Invitae Variant Classification Sherloc (09022015). Collection method: clinical testing. Allele origin: germline.
Comment: This variant occurs in a non-coding region of the RB1 gene. It does not change the encoded amino acid sequence of the RB1 protein. This variant is not present in population databases (gnomAD no frequency). This variant has not been reported in the literature in individuals affected with RB1-related conditions. Experimental studies and prediction algorithms are not available or were not evaluated, and the functional significance of this variant is currently unknown. In summary, the available evidence is currently insufficient to determine the role of this variant in disease. Therefore, it has been classified as a Variant of Uncertain Significance.

NC_000013.11:g.48303732G>A

Gene: RB1 (RB transcriptional corepressor 1; plus strand). Cytogenetic location: 13q14.2.
Variant type: single nucleotide variant.
Genome position: GRCh38 VCF-style: chr13-48303732-G-A. GRCh37 (hg19) VCF-style: chr13-48877868-G-A.
Identifiers: ClinVar variation 3702779 (VCV003702779.2).